The following is an entry in ClinVar:

ClinVar aggregate classification (germline): Uncertain significance (1 of 4 stars; one submission).

Submission:

Women's Health and Genetics/Laboratory Corporation of America, LabCorp
Classification: Uncertain significance. Last evaluated: 2026-04-02. Review status: criteria provided, single submitter. Criteria: LabCorp Variant Classification Summary - May 2015. Collection method: clinical testing. Allele origin: germline.
Comment: Variant summary: The variant involves the duplication of exons 1-2 in the FAM20C gene. A presumed nomenclature of c.(?_-630)_(784+1_785-1)dup has been designated for the purposes of this classification. The exact breakpoint at the 5' end of this variant is unknown, therefore this duplication may extend upstream of the annotated region of this gene. It is predicted to duplicate a segment including the initiation codon, therefore its impact on the encoded protein is unknown. The variant was absent in 20902 control chromosomes (gnomAD SV database). The available data on variant occurrences in the general population are insufficient to allow any conclusion about variant significance. To our knowledge, no occurrence of c.(?_-630)_(784+1_785-1)dup in individuals affected with FAM20C-related conditions and no experimental evidence demonstrating its impact on protein function have been reported. ClinVar contains an entry for this variant (Variation ID: 2426529). Based on the evidence outlined above, the variant was classified as uncertain significance.

NC_000007.13:g.(?_192570)_(195733_208897)dup

Gene: FAM20C (FAM20C golgi associated secretory pathway kinase; plus strand). Cytogenetic location: 7p22.3.
Variant type: Duplication.
Identifiers: ClinVar variation 4848955 (VCV004848955.1).